The following is an entry in ClinVar:

NM_000321.3(RB1):c.1947G>T (p.Leu649=)

Gene: RB1 (RB transcriptional corepressor 1; plus strand). Cytogenetic location: 13q14.2.
Variant type: single nucleotide variant.
Coding change: c.1947G>T on transcript NM_000321.3 (MANE Select); coding-DNA position 1947, G replaced by T.
Protein change: p.Leu649=; no amino-acid change (leucine 649 retained).
Molecular consequence: synonymous variant.
Genome position (GRCh38, 1-based): chr13:48,456,336, G>T. VCF-style: chr13-48456336-G-T. GRCh37 (hg19) VCF-style: chr13-49030472-G-T.
Other names: c.1947G>T, p.Leu649= (NM_001407165.1).
Identifiers: ClinVar variation 4876075 (VCV004876075.1).
Genomic context (GRCh38, chr13:48,456,336, plus strand): 5'-GACACAAGCAACCTCAGCCTTCCAGACCCAGAAGCCATTGAAATCTACCTCTCTTTCACT[G>T]TTTTATAAAAAAGGTTAGTAGATGATTATTTTCAAGAGCATGGACTCTGAAACTAGGCTG-3'
Protein context (NP_000312.2, residues 639-659): QKPLKSTSLS[Leu649=]FYKKVYRLAY

ClinVar aggregate classification (germline): Benign (1 of 4 stars; one submission).

Conditions:
Retinoblastoma (RB1). Also called: RETINOBLASTOMA, SOMATIC. Identifiers: Orphanet 790, MedGen C0035335, MeSH D012175, MONDO:0008380, OMIM 180200, HP:0009919. Disease mechanism: loss of function. Inheritance: Both sporadic and heritable forms are tested..

Submission:

Myriad Genetics, Inc.
Classification: Benign for Retinoblastoma. Last evaluated: 2026-06-25. Review status: criteria provided, single submitter. Criteria: Myriad Autosomal Dominant, Autosomal Recessive and X-Linked Classification Criteria (2023). Collection method: clinical testing. Allele origin: unknown.
Comment: This variant is considered benign. This variant is a silent/synonymous amino acid change and it is not expected to impact splicing.